The following is an entry in ClinVar:

NM_133478.3(SLC4A5):c.2059+7G>A

Gene: SLC4A5 (solute carrier family 4 member 5; minus strand). Cytogenetic location: 2p13.1.
Variant type: single nucleotide variant.
Coding change: c.2059+7G>A on transcript NM_133478.3 (MANE Select); 7 bases into the intron after coding-DNA position 2059, G replaced by A.
Molecular consequence: intron variant.
Genome position (GRCh38, 1-based): chr2:74,247,029, C>T on the plus strand (G>A on the coding strand, the complement: SLC4A5 is on the minus strand). VCF-style: chr2-74247029-C-T. GRCh37 (hg19) VCF-style: chr2-74474156-C-T.
Other names: c.1711+7G>A (NM_001386136.1); c.2059+7G>A (NM_021196.3).
Identifiers: ClinVar variation 3048096 (VCV003048096.2), dbSNP rs375804911, ClinGen allele CA1720623.
Genomic context (GRCh38, chr2:74,247,029, plus strand): 5'-GTGGTGAAGGATCAGGGGGCCGGTGGGGTAGGTGAGGGCCCACGGCATGTCTGGGGTTAC[C>T]GGTCACCTGTGTCAGGGGCGACACACTCGCACTTGTAGGTAGTGATGAAGTTTGGCTTGA-3'

ClinVar aggregate classification (germline): Likely benign (0 of 4 stars; one submission).

Conditions:
SLC4A5-related disorder. Also called: SLC4A5-related condition.

Allele frequency attached by ClinVar (database versions not stated): TOPMed 0.00004; gnomAD exomes 0.00005; ExAC 0.00007; gnomAD 0.00007; ESP Exome Variant Server 0.00023.
gnomAD v4.1: 80 of 1,612,618 alleles (0.005%); highest among the groups gnomAD compares: African/African-American, 0.0067%; no homozygotes.

Submission:

PreventionGenetics, part of Exact Sciences
Classification: Likely benign for SLC4A5-related condition. Last evaluated: 2022-01-12. Review status: no assertion criteria provided. Collection method: clinical testing. Allele origin: germline.
Comment: This variant is classified as likely benign based on ACMG/AMP sequence variant interpretation guidelines (Richards et al. 2015 PMID: 25741868, with internal and published modifications).